The following is an entry in ClinVar:

ClinVar aggregate classification (germline): Benign. Review status: criteria provided, multiple submitters, no conflicts (2 of 4 stars). 3 submissions from 3 submitters: Benign (3). Last evaluated 2018-06-14.

Conditions:
Periventricular heterotopia with microcephaly, autosomal recessive (ARPHM). Also called: Periventricular heterotopia with microcephaly; PERIVENTRICULAR NODULAR HETEROTOPIA 2. Identifiers: Orphanet 2149, MedGen C1842563, MONDO:0011966, OMIM 608097.

Allele frequency attached by ClinVar (database versions not stated): 1000 Genomes Project 30x 0.08776; 1000 Genomes Project 0.08846; TOPMed 0.14925; gnomAD 0.17079.

Submissions (3):

GeneDx
Classification: Benign. Last evaluated: 2018-06-14. Review status: criteria provided, single submitter. Criteria: GeneDx Variant Classification (06012015). Collection method: clinical testing. Allele origin: germline. Affected: yes.
Comment: This variant is considered likely benign or benign based on one or more of the following criteria: it is a conservative change, it occurs at a poorly conserved position in the protein, it is predicted to be benign by multiple in silico algorithms, and/or has population frequency not consistent with disease.

Illumina Laboratory Services, Illumina
Classification: Benign for Periventricular heterotopia with microcephaly, autosomal recessive. Last evaluated: 2018-01-12. Review status: criteria provided, single submitter. Criteria: ICSL Variant Classification Criteria 13 December 2019. Collection method: clinical testing. Allele origin: germline.
Comment: This variant was observed in the ICSL laboratory as part of a predisposition screen in an ostensibly healthy population. It had not been previously curated by ICSL or reported in the Human Gene Mutation Database (HGMD: prior to June 1st, 2018), and was therefore a candidate for classification through an automated scoring system. Utilizing variant allele frequency, disease prevalence and penetrance estimates, and inheritance mode, an automated score was calculated to assess if this variant is too frequent to cause the disease. Based on the score and internal cut-off values, a variant classified as benign is not then subjected to further curation. The score for this variant resulted in a classification of benign for this disease.

Breakthrough Genomics
Classification: Benign. Review status: criteria provided, single submitter. Criteria: ACMG Guidelines, 2015. Collection method: not provided. Allele origin: germline. Inheritance: Autosomal recessive inheritance. Affected: yes.

NM_006420.3(ARFGEF2):c.-94C>T

Genes: ARFGEF2 (ARF guanine nucleotide exchange factor 2; plus strand), LOC130066080 (ATAC-STARR-seq lymphoblastoid silent region 12991; plus strand). Cytogenetic location: 20q13.13.
Variant type: single nucleotide variant.
Coding change: c.-94C>T on transcript NM_006420.3 (MANE Select); 94 bases upstream of the start codon, C replaced by T.
Molecular consequence: 5 prime UTR variant.
Genome position (GRCh38, 1-based): chr20:48,921,796, C>T. VCF-style: chr20-48921796-C-T. GRCh37 (hg19) VCF-style: chr20-47538333-C-T.
Identifiers: ClinVar variation 338676 (VCV000338676.7), dbSNP rs2273101, ClinGen allele CA10653200.